The following is an entry in ClinVar:

NC_000015.9:g.(?_43891760)_(43901533_43902509)del

Gene: STRC (stereocilin; minus strand). Cytogenetic location: 15q15.3.
Variant type: Deletion.
Identifiers: ClinVar variation 3251551 (VCV003251551.1).

ClinVar aggregate classification (germline): Pathogenic (1 of 4 stars; one submission).

Conditions:
Nonsyndromic genetic hearing loss. Also called: Nonsyndromic hearing loss and deafness; Non-syndromic genetic deafness; Nonsyndromic genetic deafness. Identifiers: Orphanet 87884, MedGen C5680182, MONDO:0019497.

Submission:

Women's Health and Genetics/Laboratory Corporation of America, LabCorp
Classification: Pathogenic for Nonsyndromic genetic hearing loss. Last evaluated: 2024-04-03. Review status: criteria provided, single submitter. Criteria: LabCorp Variant Classification Summary - May 2015. Collection method: clinical testing. Allele origin: germline.
Comment: Variant summary: The variant involves the deletion of exons 16-29 in the STRC gene. A presumed nomenclature of c.(3498+1_3499-1)_(*110_?)del has been designated for the purposes of this classification. The exact breakpoint at the distal 3' end of this variant is unknown, therefore this deletion may extend downstream of the annotated region of the gene. As it encompasses the termination codon, it is predicted to escape nonsense mediated decay (NMD). The variant was absent in 19934 control chromosomes (gnomAD, Structural Variants dataset). Deletion of exons 16-29 has been reported in the literature in a compound heterozygous individual affected with Nonsyndromic Hearing Loss (Guan_2021), however it was reported in cis with another deletion (i.e. Ex1-12 del). Therefore, this report does not provide unequivocal conclusions about association of the variant with Nonsyndromic Hearing Loss And Deafness, Type 16. To our knowledge, no experimental evidence demonstrating an impact on protein function has been reported. However, at-least one missense variant (p.Arg1391Gly) located in the deleted region has been classified as Pathogenic by our lab (ClinVar Variation ID 165311). The following publication have been ascertained in the context of this evaluation (PMID: 34416374). No submitters have cited clinical-significance assessments for this variant to ClinVar. Based on the evidence outlined above, the variant was classified as pathogenic.

Literature cited by the submitters: PubMed 34416374.